The following is an entry in ClinVar:

ClinVar aggregate classification (germline): Likely benign. Review status: criteria provided, multiple submitters, no conflicts (2 of 4 stars). 3 submissions from 3 submitters: Likely benign (2). 1 of the submissions does not count toward it. Last evaluated 2025-12-01.

Conditions:
TTLL5-related disorder. Also called: TTLL5-related condition.

Allele frequency attached by ClinVar (database versions not stated): gnomAD exomes 0.00022; ExAC 0.00024; gnomAD 0.00064 and 0.00066; TOPMed 0.00076; ESP Exome Variant Server 0.00077; 1000 Genomes Project 30x 0.00125; 1000 Genomes Project 0.00140.
gnomAD v4.1: 243 of 1,613,844 alleles (0.015%); highest among the groups gnomAD compares: African/African-American, 0.26%; no homozygotes.

Submissions (3):

Labcorp Genetics (formerly Invitae), Labcorp
Classification: Likely benign. Last evaluated: 2025-12-01. Review status: criteria provided, single submitter. Criteria: Invitae Variant Classification Sherloc (09022015). Collection method: clinical testing. Allele origin: germline.

Blueprint Genetics
Classification: Likely benign. Last evaluated: 2024-10-02. Review status: criteria provided, single submitter. Criteria: ACMG Guidelines, 2015. Collection method: clinical testing. Allele origin: germline.

PreventionGenetics, part of Exact Sciences
Classification: Likely benign for TTLL5-related condition. Last evaluated: 2024-08-15. Review status: no assertion criteria provided. Collection method: clinical testing. Allele origin: germline. Not counted in ClinVar's aggregate classification.
Comment: This variant is classified as likely benign based on ACMG/AMP sequence variant interpretation guidelines (Richards et al. 2015 PMID: 25741868, with internal and published modifications).

NM_015072.5(TTLL5):c.2965C>T (p.Arg989Cys)

Gene: TTLL5 (tubulin tyrosine ligase like 5; plus strand). Cytogenetic location: 14q24.3.
Variant type: single nucleotide variant.
Coding change: c.2965C>T on transcript NM_015072.5 (MANE Select); coding-DNA position 2965, C replaced by T.
Protein change: p.Arg989Cys; replaces arginine 989 with cysteine.
Molecular consequence: missense variant.
Genome position (GRCh38, 1-based): chr14:75,783,509, C>T. VCF-style: chr14-75783509-C-T. GRCh37 (hg19) VCF-style: chr14-76249852-C-T.
Other names: short protein forms R989C.
Identifiers: ClinVar variation 935189 (VCV000935189.12), dbSNP rs151205932, ClinGen allele CA7279846.